The following is an entry in ClinVar:

NM_021922.3(FANCE):c.926C>T (p.Pro309Leu)

Gene: FANCE (FA complementation group E; plus strand). Cytogenetic location: 6p21.31.
Variant type: single nucleotide variant.
Coding change: c.926C>T on transcript NM_021922.3 (MANE Select); coding-DNA position 926, C replaced by T.
Protein change: p.Pro309Leu; replaces proline 309 with leucine.
Molecular consequence: missense variant.
Genome position (GRCh38, 1-based): chr6:35,457,941, C>T. VCF-style: chr6-35457941-C-T. GRCh37 (hg19) VCF-style: chr6-35425718-C-T.
Other names: c.926C>T (NM_021922.2); short protein forms P309L.
Identifiers: ClinVar variation 1382133 (VCV001382133.7), dbSNP rs151020666, ClinGen allele CA3771534.

ClinVar aggregate classification (germline): Uncertain significance. Review status: criteria provided, multiple submitters, no conflicts (2 of 4 stars). 2 submissions from 2 submitters: Uncertain significance (2). Last evaluated 2025-10-24.

Conditions:
Inborn genetic diseases. Identifiers: MedGen C0950123, MeSH D030342.
Fanconi anemia complementation group E (FANCE). Also called: FANCE-Related Fanconi Anemia. Identifiers: Orphanet 84, MedGen C3160739, MONDO:0010953, OMIM 600901.

Allele frequency attached by ClinVar (database versions not stated): gnomAD exomes 0.00001 and 0.00003; ExAC 0.00002; TOPMed 0.00009; gnomAD 0.00012; ESP Exome Variant Server 0.00023.
gnomAD v4.1: 29 of 1,614,006 alleles (0.0018%); highest among the groups gnomAD compares: African/African-American, 0.036%; no homozygotes.

Submissions (2):

Ambry Genetics
Classification: Uncertain significance for Inborn genetic diseases. Last evaluated: 2025-10-24. Review status: criteria provided, single submitter. Criteria: Ambry Variant Classification Scheme 2023. Collection method: clinical testing. Allele origin: germline.

Labcorp Genetics (formerly Invitae), Labcorp
Classification: Uncertain significance for Fanconi anemia complementation group E. Last evaluated: 2024-10-15. Review status: criteria provided, single submitter. Criteria: Invitae Variant Classification Sherloc (09022015). Collection method: clinical testing. Allele origin: germline.
Comment: This sequence change replaces proline, which is neutral and non-polar, with leucine, which is neutral and non-polar, at codon 309 of the FANCE protein (p.Pro309Leu). This variant is present in population databases (rs151020666, gnomAD 0.03%). This variant has not been reported in the literature in individuals affected with FANCE-related conditions. ClinVar contains an entry for this variant (Variation ID: 1382133). Invitae Evidence Modeling of protein sequence and biophysical properties (such as structural, functional, and spatial information, amino acid conservation, physicochemical variation, residue mobility, and thermodynamic stability) indicates that this missense variant is not expected to disrupt FANCE protein function with a negative predictive value of 80%. In summary, the available evidence is currently insufficient to determine the role of this variant in disease. Therefore, it has been classified as a Variant of Uncertain Significance.